The following is an entry in ClinVar:

NM_000256.3(MYBPC3):c.2311dup (p.Val771fs)

Gene: MYBPC3 (myosin binding protein C3; minus strand). Cytogenetic location: 11p11.2.
Variant type: Duplication.
Coding change: c.2311dup on transcript NM_000256.3 (MANE Select); coding-DNA position 2311, one base duplicated (G; older notation c.2311dupG).
Protein change: p.Val771fs; shifts the reading frame from valine 771.
Genome position (GRCh38, 1-based): chr11:47,337,792, C duplicated on the plus strand (G on the coding strand, the reverse complement: MYBPC3 is on the minus strand). VCF-style (leftmost placement, unchanged base first): chr11-47337791-A-AC. GRCh37 (hg19) VCF-style: chr11-47359342-A-AC.
Other names: p.Val771GlyfsX62; c.2311dupG (NM_000256.3); short protein forms V771fs.
Identifiers: ClinVar variation 42615 (VCV000042615.12), dbSNP rs397515960, ClinGen allele CA012076.

ClinVar aggregate classification (germline): Pathogenic. Review status: criteria provided, multiple submitters, no conflicts (2 of 4 stars). 5 submissions from 5 submitters: Pathogenic (5). Last evaluated 2024-02-16.

Conditions:
MYBPC3-related disorder. Also called: MYBPC3-related disorders; MYBPC3-related condition; MYBPC3-related disease.
Cardiovascular phenotype. Identifiers: MedGen CN230736.
Cardiomyopathy (CMYO). Also called: Cardiomyopathies. Identifiers: Orphanet 167848, MedGen C0878544, MONDO:0004994, HP:0001638. Inheritance: Various modes of inheritance.
Hypertrophic cardiomyopathy. Also called: HYPERTROPHIC MYOCARDIOPATHY. Identifiers: Orphanet 217569, MedGen C0007194, MeSH D002312, MONDO:0005045, HP:0001639.

Submissions (5):

Blueprint Genetics
Classification: Pathogenic for MYBPC3-related disorders. Last evaluated: 2024-02-16. Review status: criteria provided, single submitter. Criteria: ACMG Guidelines, 2015. Collection method: clinical testing. Allele origin: germline. Affected: yes. Observed: 5 variant alleles.

Molecular Diagnostic Laboratory for Inherited Cardiovascular Disease, Montreal Heart Institute
Classification: Pathogenic for Cardiovascular phenotype. Last evaluated: 2023-11-27. Review status: criteria provided, single submitter. Criteria: ACMG Guidelines, 2015. Collection method: clinical testing. Allele origin: germline. Affected: yes.
Comment: PVS1, PS4_mod, PM2, PP1, PP5

Laboratory for Molecular Medicine, Mass General Brigham Personalized Medicine
Classification: Pathogenic for Hypertrophic cardiomyopathy. Last evaluated: 2022-03-23. Review status: criteria provided, single submitter. Criteria: ACMG Guidelines, 2015. Collection method: clinical testing. Allele origin: germline. Inheritance: Autosomal dominant inheritance.
Comment: The p.Val771GlyfsX62 variant in MYBPC3 has been reported in at least 3 individuals with hypertrophic cardiomyopathy (HCM) and 1 individual with suspected HCM (Walsh 2017 PMID: 27532257, Hathaway 2021 PMID: 33673806, LMM data) and by other clinical laboratories in ClinVar (Variation ID 42615). It was absent from large population studies. This variant is predicted to cause a frameshift, which alters the protein’s amino acid sequence beginning at position 771 and leads to a premature termination codon 62 amino acids downstream. This alteration is then predicted to lead to a truncated or absent protein. Loss of function of the MYBPC3 gene is an established disease mechanism in autosomal dominant HCM. In summary, this variant meets criteria to be classified as pathogenic for autosomal dominant HCM. ACMG/AMP Criteria applied: PVS1, PM2_Supporting, PS4_Supporting.

GeneDx
Classification: Pathogenic for Cardiomyopathy. Last evaluated: 2014-06-16. Review status: criteria provided, single submitter. Criteria: GeneDx Variant Classification (06012015). Collection method: clinical testing. Allele origin: germline. Affected: yes.
Comment: p.Val771GlyfsX62 (V771GfsX62) : c.2311dupG in exon 24 of the MYBPC3 gene (NM_000256.3). The normal sequence with the base that is inserted in braces is: gACG{G}TGCC with lower case letter representing intronic sequence and upper cases letters representing exonic sequence. Although the c.2311dupG mutation in the MYBPC3 gene has not been reported to our knowledge, this mutation causes a shift in reading frame starting at codon Valine 771, changing it to a Glycine, and creating a premature stop codon at position 62 of the new reading frame, denoted p.Val771GlyfsX62 het. This mutation is expected to result in either an abnormal, truncated protein product or loss of protein from this allele through nonsense-mediated mRNA decay. Additionally, c.2311dupG was not observed in approximately 6,500 individuals of European and African American ancestry in the NHLBI Exome Sequencing Project, indicating it is not a common benign variant in these populations. Other frameshift mutations in the MYBPC3 gene have been reported in association with cardiomyopathy. The variant is found in MYBPC3 panel(s).

Ambry Genetics
Classification: Pathogenic for Cardiovascular phenotype. Last evaluated: 2013-08-09. Review status: criteria provided, single submitter. Criteria: Ambry Autosomal Dominant and X-Linked criteria (10/2015). Collection method: clinical testing. Allele origin: germline. Observed: 1 variant allele.
Comment: Ã¢â‚¬â€¹The c.2311dupG pathogenic mutation, located in coding exon 24 of the MYBPC3 gene, results from a duplication of a guanine at nucleotide position 2311, causing a translational frameshift with a predicted alternate stop codon. Haploinsufficiency of MYBPC3 has been indicated as a mechanism of disease, causing hypertrophic cardiomyopathy (Marston et al. 2012 J Muscle Res Cell Motil 33:75-80). In addition, in one series analyzing MYBPC3 mutation types in patients with hypertrophic cardiomyopathy (HCM) compared to patients with dilated cardiomyopathy (DCM), mutations causing a frame-shift make up a greater proportion of mutations in HCM patients (26%) compared to DCM patients (2%). Authors also identified a statistically significant correlation between left atrial dilation and frame-shift alterations (Waldmuller et al. Eur J Heart Fail 2011;13:1185-1192). In addition to the data presented in the literature, premature stop codons are typically deleterious in nature and interpreted as disease-causing mutations (ACMG Recommendations for Standards for Interpretation and Reporting of Sequence Variations. Revision 2007. Genet Med 2008;10:294). Based on the supporting evidence, c.2311dupG is interpreted as a pathogenic mutation.

Literature cited by the submitters: PubMed 33673806 (cited by Laboratory for Molecular Medicine, Mass General Brigham Personalized Medicine); PubMed 27532257 (cited by Laboratory for Molecular Medicine, Mass General Brigham Personalized Medicine); PubMed 25611685 (cited by Laboratory for Molecular Medicine, Mass General Brigham Personalized Medicine).